The following is an entry in ClinVar:

ClinVar aggregate classification (germline): Uncertain significance (1 of 4 stars; one submission).

Allele frequency attached by ClinVar (database versions not stated): gnomAD exomes below 0.00001; TOPMed below 0.00001.
gnomAD v4.1: 1 of 1,614,152 alleles (0.000062%); highest among the groups gnomAD compares: Non-Finnish European, 0.000085%; no homozygotes.

Submission:

Labcorp Genetics (formerly Invitae), Labcorp
Classification: Uncertain significance. Last evaluated: 2022-02-03. Review status: criteria provided, single submitter. Criteria: Invitae Variant Classification Sherloc (09022015). Collection method: clinical testing. Allele origin: germline.
Comment: This sequence change replaces isoleucine, which is neutral and non-polar, with valine, which is neutral and non-polar, at codon 230 of the CYP4V2 protein (p.Ile230Val). In summary, the available evidence is currently insufficient to determine the role of this variant in disease. Therefore, it has been classified as a Variant of Uncertain Significance. Algorithms developed to predict the effect of sequence changes on RNA splicing suggest that this variant may create or strengthen a splice site. Advanced modeling of protein sequence and biophysical properties (such as structural, functional, and spatial information, amino acid conservation, physicochemical variation, residue mobility, and thermodynamic stability) performed at Invitae indicates that this missense variant is not expected to disrupt CYP4V2 protein function. ClinVar contains an entry for this variant (Variation ID: 840208). This variant has not been reported in the literature in individuals affected with CYP4V2-related conditions. This variant is not present in population databases (gnomAD no frequency).

NM_207352.4(CYP4V2):c.688A>G (p.Ile230Val)

Gene: CYP4V2 (cytochrome P450 family 4 subfamily V member 2; plus strand). Cytogenetic location: 4q35.1.
Variant type: single nucleotide variant.
Coding change: c.688A>G on transcript NM_207352.4 (MANE Select); coding-DNA position 688, A replaced by G.
Protein change: p.Ile230Val; replaces isoleucine 230 with valine.
Molecular consequence: missense variant.
Genome position (GRCh38, 1-based): chr4:186,198,970, A>G. VCF-style: chr4-186198970-A-G. GRCh37 (hg19) VCF-style: chr4-187120124-A-G.
Other names: short protein forms I230V.
Identifiers: ClinVar variation 840208 (VCV000840208.9), dbSNP rs1736231877, ClinGen allele CA358947891.